The following is an entry in ClinVar:

NM_001267550.2(TTN):c.68308del (p.Thr22770fs)

Genes: TTN (titin; minus strand), TTN-AS1 (TTN antisense RNA 1; plus strand), LOC126806423 (CDK7 strongly-dependent group 2 enhancer GRCh37_chr2:179443309-179444508; plus strand). Cytogenetic location: 2q31.2.
Variant type: Deletion.
Coding change: c.68308del on transcript NM_001267550.2 (MANE Select); coding-DNA position 68308, one base deleted (A; older notation c.68308delA).
Protein change: p.Thr22770fs; shifts the reading frame from threonine 22770.
Molecular consequence: frameshift variant.
Genome position (GRCh38, 1-based): chr2:178,578,632, T deleted on the plus strand (A on the coding strand, the reverse complement: TTN is on the minus strand); the first of 4 consecutive T bases (chr2:178,578,632-178,578,635); deleting any one gives the same sequence. VCF-style (leftmost placement, unchanged base first): chr2-178578631-GT-G. GRCh37 (hg19) VCF-style: chr2-179443358-GT-G.
Other names: p.Thr21129Leufs*29; c.68308del (NM_001267550.1); c.68308delA (NM_001267550.2); c.63385del, p.Thr21129fs (NM_001256850.1); c.41113del, p.Thr13705fs (NM_003319.4); c.60604del, p.Thr20202fs (NM_133378.4); c.41488del, p.Thr13830fs (NM_133432.3); c.41689del, p.Thr13897fs (NM_133437.4); and 2 more; short protein forms T21129fs, T13897fs, T20202fs, T22770fs, T13705fs, T13830fs.
Identifiers: ClinVar variation 422942 (VCV000422942.25), dbSNP rs1064796112, ClinGen allele CA16617361.

ClinVar aggregate classification (germline): Pathogenic/Likely pathogenic. Review status: criteria provided, multiple submitters, no conflicts (2 of 4 stars). 7 submissions from 7 submitters: Pathogenic (4); Likely pathogenic (3). Last evaluated 2026-01-27.

Conditions:
Cardiovascular phenotype. Identifiers: MedGen CN230736.
Autosomal recessive limb-girdle muscular dystrophy type 2J (LGMDR10). Also called: MUSCULAR DYSTROPHY, LIMB-GIRDLE, AUTOSOMAL RECESSIVE 10; Limb-girdle muscular dystrophy, type 2J. Identifiers: Orphanet 140922, MedGen C1837342, MONDO:0012127, OMIM 608807.
Dilated cardiomyopathy 1G (CMD1G). Identifiers: Orphanet 154, MedGen C1858763, MONDO:0011400, OMIM 604145.
Myopathy, myofibrillar, 9, with early respiratory failure (MFM9). Also called: Myopathy, distal, with early respiratory failure, autosomal dominant; Hereditary myopathy with early respiratory failure; EDSTROM MYOPATHY; MYOPATHY, PROXIMAL, WITH EARLY RESPIRATORY MUSCLE INVOLVEMENT. Identifiers: Orphanet 178464, Orphanet 34521, MedGen C1863599, MONDO:0011362, OMIM 603689.
Tibial muscular dystrophy (TMD). Also called: UDD MYOPATHY; Tibial muscular dystrophy, tardive; Udd Distal Myopathy – Tibial Muscular Dystrophy. Identifiers: Orphanet 609, MedGen C1838244, MONDO:0010870, OMIM 600334.
Early-onset myopathy with fatal cardiomyopathy (CMYO5). Also called: Salih Myopathy; CONGENITAL MYOPATHY 5 WITH CARDIOMYOPATHY. Identifiers: Orphanet 289377, MedGen C2673677, MONDO:0012714, OMIM 611705. Disease mechanism: loss of function.
Hypertrophic cardiomyopathy 9. Also called: Familial hypertrophic cardiomyopathy 9. Identifiers: MedGen C1861065, MONDO:0013412, OMIM 613765.

Submissions (7):

Labcorp Genetics (formerly Invitae), Labcorp
Classification: Pathogenic for Dilated cardiomyopathy 1G; Autosomal recessive limb-girdle muscular dystrophy type 2J. Last evaluated: 2026-01-27. Review status: criteria provided, single submitter. Criteria: Invitae Variant Classification Sherloc (09022015). Collection method: clinical testing. Allele origin: germline.
Comment: This sequence change creates a premature translational stop signal (p.Thr22770Leufs*29) in the TTN gene. While this is not anticipated to result in nonsense mediated decay, it is expected to create a truncated TTN protein. This variant is not present in population databases (gnomAD no frequency). This premature translational stop signal has been observed in individual(s) with clinical features of limb-girdle muscular dystrophy (internal data). In at least one individual the data is consistent with being in trans (on the opposite chromosome) from a pathogenic variant. ClinVar contains an entry for this variant (Variation ID: 422942). This variant is located in the A band of TTN (PMID: 25589632). Truncating variants in this region are significantly overrepresented in patients affected with dilated cardiomyopathy (PMID: 25589632). Truncating variants in this region have also been reported in individuals affected with autosomal recessive centronuclear myopathy (PMID: 23975875). For these reasons, this variant has been classified as Pathogenic.

GeneDx
Classification: Pathogenic. Last evaluated: 2025-04-30. Review status: criteria provided, single submitter. Criteria: GeneDx Variant Classification Process June 2021. Collection method: clinical testing. Allele origin: germline. Affected: yes.
Comment: Frameshift variant predicted to result in protein truncation or nonsense mediated decay in a gene for which loss of function is a known mechanism of disease; Not observed at significant frequency in large population cohorts (gnomAD); Has not been previously published as pathogenic or benign to our knowledge; Located in the A-band, a region of TTN for which truncating variants are significantly associated with autosomal dominant cardiomyopathy and also with autosomal recessive skeletal myopathies (PMID: 22335739, 32778822); This variant is associated with the following publications: (PMID: 22335739, 32778822)

Ambry Genetics
Classification: Likely pathogenic for Cardiovascular phenotype. Last evaluated: 2024-09-16. Review status: criteria provided, single submitter. Criteria: Ambry Variant Classification Scheme 2023. Collection method: clinical testing. Allele origin: germline.
Comment: The c.41113delA variant, located in coding exon 148 of the TTN gene, results from a deletion of one nucleotide at nucleotide position 41113, causing a translational frameshift with a predicted alternate stop codon (p.T13705Lfs*29). This exon is located in the A-band region of the N2-B isoform of the titin protein and is constitutively expressed in TTN transcripts (percent spliced in or PSI 100%). This variant is considered to be rare based on population cohorts in the Genome Aggregation Database (gnomAD). This alteration is expected to result in loss of function by premature protein truncation or nonsense-mediated mRNA decay. While truncating variants in TTN are present in 1-3% of the general population, truncating variants in the A-band are the most common cause of dilated cardiomyopathy (DCM) (Herman DS et al. N. Engl. J. Med., 2012 Feb;366:619-28; Roberts AM et al. Sci Transl Med, 2015 Jan;7:270ra6). TTN truncating variants encoded in constitutive exons (PSI >90%) have been found to be significantly associated with DCM regardless of their position in titin (Schafer S et al. Nat. Genet., 2017 01;49:46-53). As such, this alteration is classified as likely pathogenic.

Revvity Omics, Revvity
Classification: Likely pathogenic. Last evaluated: 2023-09-23. Review status: criteria provided, single submitter. Criteria: ACMG Guidelines, 2015. Collection method: clinical testing. Allele origin: germline.

Mayo Clinic Laboratories, Mayo Clinic
Classification: Pathogenic. Last evaluated: 2022-05-13. Review status: criteria provided, single submitter. Criteria: ACMG Guidelines, 2015. Collection method: clinical testing. Allele origin: germline. Observed: 1 variant allele.
Comment: PM1, PM2_supporting, PVS1

Fulgent Genetics
Classification: Likely pathogenic for Tibial muscular dystrophy; Myopathy, myofibrillar, 9, with early respiratory failure; Dilated cardiomyopathy 1G; Autosomal recessive limb-girdle muscular dystrophy type 2J; Early-onset myopathy with fatal cardiomyopathy; Hypertrophic cardiomyopathy 9. Last evaluated: 2021-07-24. Review status: criteria provided, single submitter. Criteria: ACMG Guidelines, 2015. Collection method: clinical testing. Allele origin: unknown.

HudsonAlpha Institute for Biotechnology
Classification: Pathogenic for Dilated cardiomyopathy 1G. Last evaluated: 2021-06-24. Review status: criteria provided, single submitter. Criteria: ACMG Guidelines, 2015. Collection method: research. Allele origin: unknown. Affected: yes. Observed: 1 variant allele. Study: HudsonAlpha-AGHI-WGS.
Comment: ACMG codes:PVS1, PM2, PP5

Literature cited by the submitters: PubMed 25589632 (cited by Labcorp Genetics (formerly Invitae), Labcorp); PubMed 23975875 (cited by Labcorp Genetics (formerly Invitae), Labcorp).